The following is an entry in ClinVar:

ClinVar aggregate classification (germline): Uncertain significance (1 of 4 stars; one submission).

Allele frequency attached by ClinVar (database versions not stated): ExAC 0.00001.
gnomAD v4.1: 2 of 1,614,148 alleles (0.00012%); highest among the groups gnomAD compares: Non-Finnish European, 0.000085%; no homozygotes.

Submission:

Labcorp Genetics (formerly Invitae), Labcorp
Classification: Uncertain significance. Last evaluated: 2024-11-11. Review status: criteria provided, single submitter. Criteria: Invitae Variant Classification Sherloc (09022015). Collection method: clinical testing. Allele origin: germline.
Comment: This sequence change replaces lysine, which is basic and polar, with glutamine, which is neutral and polar, at codon 44 of the TMPRSS15 protein (p.Lys44Gln). This variant is present in population databases (rs779894465, gnomAD 0.01%). This variant has not been reported in the literature in individuals affected with TMPRSS15-related conditions. ClinVar contains an entry for this variant (Variation ID: 1971932). An algorithm developed to predict the effect of missense changes on protein structure and function outputs the following: PolyPhen-2: "Benign". The glutamine amino acid residue is found in multiple mammalian species, which suggests that this missense change does not adversely affect protein function. In summary, the available evidence is currently insufficient to determine the role of this variant in disease. Therefore, it has been classified as a Variant of Uncertain Significance.

NM_002772.3(TMPRSS15):c.130A>C (p.Lys44Gln)

Gene: TMPRSS15 (transmembrane serine protease 15; minus strand). Cytogenetic location: 21q21.1.
Variant type: single nucleotide variant.
Coding change: c.130A>C on transcript NM_002772.3 (MANE Select); coding-DNA position 130, A replaced by C.
Protein change: p.Lys44Gln; replaces lysine 44 with glutamine.
Molecular consequence: missense variant.
Genome position (GRCh38, 1-based): chr21:18,403,493, T>G on the plus strand (A>C on the coding strand, the complement: TMPRSS15 is on the minus strand). VCF-style: chr21-18403493-T-G. GRCh37 (hg19) VCF-style: chr21-19775810-T-G.
Other names: short protein forms K44Q.
Identifiers: ClinVar variation 1971932 (VCV001971932.5), dbSNP rs779894465, ClinGen allele CA9984863.